The following is an entry in ClinVar:

ClinVar aggregate classification (germline): Uncertain significance (1 of 4 stars; one submission).

Conditions:
Ehlers-Danlos syndrome, classic type, 1 (EDSCL1). Also called: EHLERS-DANLOS SYNDROME, GRAVIS TYPE; EHLERS-DANLOS SYNDROME, SEVERE CLASSIC TYPE; Ehlers-Danlos syndrome, type 1; Ehlers-Danlos Syndrome, Classic Type, COL5A1-Related; EDS I. Identifiers: MedGen C0268335, MONDO:0019567, OMIM 130000.

Allele frequency attached by ClinVar (database versions not stated): gnomAD exomes below 0.00001.
gnomAD v4.1: 2 of 1,613,026 alleles (0.00012%); highest among the groups gnomAD compares: Non-Finnish European, 0.00017%; no homozygotes.

Submission:

MVZ Medizinische Genetik Mainz
Classification: Uncertain significance for Ehlers-Danlos syndrome, classic type, 1. Last evaluated: 2023-02-03. Review status: criteria provided, single submitter. Criteria: UK Practice Guidelines For Variant Classification V4 01 2020. Collection method: clinical testing. Allele origin: germline. Inheritance: Autosomal dominant inheritance. Affected: yes. Observed: 1 variant allele.
Comment: ACMG Criteria: PM2_SUP,PP3

NM_000093.5(COL5A1):c.1494G>A (p.Arg498=)

Gene: COL5A1 (collagen type V alpha 1 chain; plus strand). Cytogenetic location: 9q34.3.
Variant type: single nucleotide variant.
Coding change: c.1494G>A on transcript NM_000093.5 (MANE Select); coding-DNA position 1494, G replaced by A.
Protein change: p.Arg498=; no amino-acid change (arginine 498 retained).
Molecular consequence: synonymous variant.
Genome position (GRCh38, 1-based): chr9:134,738,808, G>A. VCF-style: chr9-134738808-G-A. GRCh37 (hg19) VCF-style: chr9-137630654-G-A.
Other names: c.1494G>A, p.Arg498= (NM_001278074.1).
Identifiers: ClinVar variation 3066249 (VCV003066249.1), dbSNP rs998597371, ClinGen allele CA467652351.